The following is an entry in ClinVar:

NM_000038.6(APC):c.7925C>T (p.Thr2642Ile)

Gene: APC (APC regulator of Wnt signaling pathway; plus strand). Cytogenetic location: 5q22.2.
Variant type: single nucleotide variant.
Coding change: c.7925C>T on transcript NM_000038.6 (MANE Select); coding-DNA position 7925, C replaced by T.
Protein change: p.Thr2642Ile; replaces threonine 2642 with isoleucine.
Molecular consequence: missense variant.
Genome position (GRCh38, 1-based): chr5:112,843,519, C>T. VCF-style: chr5-112843519-C-T. GRCh37 (hg19) VCF-style: chr5-112179216-C-T.
Other names: c.7925C>T, p.Thr2642Ile (NM_001127510.3, NM_001354895.2); c.7871C>T, p.Thr2624Ile (NM_001127511.3); c.7979C>T, p.Thr2660Ile (NM_001354896.2); c.7955C>T, p.Thr2652Ile (NM_001354897.2); c.7850C>T, p.Thr2617Ile (NM_001354898.2); c.7841C>T, p.Thr2614Ile (NM_001354899.2); c.7802C>T, p.Thr2601Ile (NM_001354900.2); c.7748C>T, p.Thr2583Ile (NM_001354901.2); and 5 more; short protein forms T2516I, T2541I, T2551I, T2624I, T2642I, T2652I, T2614I, T2660I.
Identifiers: ClinVar variation 926882 (VCV000926882.13), dbSNP rs1454473441, ClinGen allele CA16038542.
Genomic context (GRCh38, chr5:112,843,519, plus strand): 5'-CCACAAATAGTACTTCTCAGACCGTTTCCTCAGGTGCTACAAATGGTGCTGAATCAAAGA[C>T]TCTAATTTATCAAATGGCACCTGCTGTTTCTAAAACAGAGGATGTTTGGGTGAGAATTGA-3'
Protein context (NP_000029.2, residues 2632-2652): SGATNGAESK[Thr2642Ile]LIYQMAPAVS

ClinVar aggregate classification (germline): Uncertain significance. Review status: criteria provided, multiple submitters, no conflicts (2 of 4 stars). 4 submissions from 4 submitters: Uncertain significance (4). Last evaluated 2025-04-25.

Conditions:
Hereditary cancer-predisposing syndrome. Also called: Neoplastic Syndromes, Hereditary; Tumor predisposition; Hereditary Cancer Syndrome; Hereditary neoplastic syndrome. Identifiers: Orphanet 140162, MedGen C0027672, MeSH D009386, MONDO:0015356.
Familial adenomatous polyposis 1 (FAP1). Also called: FAMILIAL ADENOMATOUS POLYPOSIS 1, ATTENUATED; POLYPOSIS, ADENOMATOUS INTESTINAL. Identifiers: MedGen C2713442, MONDO:0021056, OMIM 175100. Disease mechanism: loss of function.

Allele frequency attached by ClinVar (database versions not stated): gnomAD exomes below 0.00001; TOPMed below 0.00001; gnomAD 0.00001.
gnomAD v4.1: 2 of 1,613,556 alleles (0.00012%); highest among the groups gnomAD compares: Non-Finnish European, 0.00017%; no homozygotes.

Submissions (4):

Ambry Genetics
Classification: Uncertain significance for Hereditary cancer-predisposing syndrome. Last evaluated: 2025-04-25. Review status: criteria provided, single submitter. Criteria: Ambry Variant Classification Scheme 2023. Collection method: clinical testing. Allele origin: germline.
Comment: The p.T2642I variant (also known as c.7925C>T), located in coding exon 15 of the APC gene, results from a C to T substitution at nucleotide position 7925. The threonine at codon 2642 is replaced by isoleucine, an amino acid with similar properties. This amino acid position is well conserved in available vertebrate species. In addition, in silico predictors for this gene do not accurately predict pathogenicity. Since supporting evidence is limited at this time, the clinical significance of this alteration remains unclear.

Labcorp Genetics (formerly Invitae), Labcorp
Classification: Uncertain significance for Familial adenomatous polyposis 1. Last evaluated: 2024-05-07. Review status: criteria provided, single submitter. Criteria: Invitae Variant Classification Sherloc (09022015). Collection method: clinical testing. Allele origin: germline.
Comment: This sequence change replaces threonine, which is neutral and polar, with isoleucine, which is neutral and non-polar, at codon 2642 of the APC protein (p.Thr2642Ile). This variant is not present in population databases (gnomAD no frequency). This variant has not been reported in the literature in individuals affected with APC-related conditions. ClinVar contains an entry for this variant (Variation ID: 926882). Advanced modeling of protein sequence and biophysical properties (such as structural, functional, and spatial information, amino acid conservation, physicochemical variation, residue mobility, and thermodynamic stability) performed at Invitae indicates that this missense variant is not expected to disrupt APC protein function with a negative predictive value of 95%. In summary, the available evidence is currently insufficient to determine the role of this variant in disease. Therefore, it has been classified as a Variant of Uncertain Significance.

Color Diagnostics, LLC DBA Color Health
Classification: Uncertain significance for Hereditary cancer-predisposing syndrome. Last evaluated: 2023-12-05. Review status: criteria provided, single submitter. Criteria: ACMG Guidelines, 2015. Collection method: clinical testing. Allele origin: germline.
Comment: This missense variant replaces threonine with isoleucine at codon 2642 of the APC protein. Computational prediction suggests that this variant may not impact protein structure and function (internally defined REVEL score threshold <= 0.5, PMID: 27666373). To our knowledge, functional studies have not been reported for this variant. This variant has not been reported in individuals affected with APC-related disorders in the literature. This variant has not been identified in the general population by the Genome Aggregation Database (gnomAD). The available evidence is insufficient to determine the role of this variant in disease conclusively. Therefore, this variant is classified as a Variant of Uncertain Significance.

Baylor Genetics
Classification: Uncertain significance for Familial adenomatous polyposis 1. Last evaluated: 2023-09-07. Review status: criteria provided, single submitter. Criteria: ACMG Guidelines, 2015. Collection method: clinical testing. Allele origin: unknown.